The following is an entry in ClinVar:

ClinVar aggregate classification (germline): Benign/Likely benign. Review status: criteria provided, multiple submitters, no conflicts (2 of 4 stars). 3 submissions from 3 submitters: Benign (1); Likely benign (2). Last evaluated 2026-09-28.

Conditions:
Cardiovascular phenotype. Identifiers: MedGen CN230736.
Hereditary cancer-predisposing syndrome. Also called: Hereditary neoplastic syndrome; Neoplastic Syndromes, Hereditary; Tumor predisposition; Hereditary Cancer Syndrome. Identifiers: Orphanet 140162, MedGen C0027672, MeSH D009386, MONDO:0015356.
Neurofibromatosis, type 1 (NF1). Also called: VON RECKLINGHAUSEN DISEASE; Peripheral type neurofibromatosis; NEUROFIBROMATOSIS, TYPE I, SOMATIC; Neurofibromatosis, type I. Identifiers: Orphanet 636, MedGen C0027831, MONDO:0018975, OMIM 162200. Disease mechanism: loss of function.

Allele frequency attached by ClinVar (database versions not stated): gnomAD exomes below 0.00001.
gnomAD v4.1: 2 of 1,614,124 alleles (0.00012%); highest among the groups gnomAD compares: Non-Finnish European, 0.00017%; no homozygotes.

Submissions (3):

Myriad Genetics, Inc.
Classification: Benign for Neurofibromatosis, type 1. Last evaluated: 2026-09-28. Review status: criteria provided, single submitter. Criteria: Myriad Autosomal Dominant, Autosomal Recessive and X-Linked Classification Criteria (2023). Collection method: clinical testing. Allele origin: unknown.
Comment: This variant is considered benign. This variant is a silent/synonymous amino acid change and it is not expected to impact splicing.

Labcorp Genetics (formerly Invitae), Labcorp
Classification: Likely benign for Neurofibromatosis, type 1. Last evaluated: 2023-11-27. Review status: criteria provided, single submitter. Criteria: Invitae Variant Classification Sherloc (09022015). Collection method: clinical testing. Allele origin: germline.

Ambry Genetics
Classification: Likely benign for Cardiovascular phenotype; Hereditary cancer-predisposing syndrome. Last evaluated: 2021-10-14. Review status: criteria provided, single submitter. Criteria: Ambry Variant Classification Scheme 2023. Collection method: clinical testing. Allele origin: germline.

NM_001042492.3(NF1):c.6132A>G (p.Lys2044=)

Gene: NF1 (neurofibromin 1; plus strand). Cytogenetic location: 17q11.2.
Variant type: single nucleotide variant.
Coding change: c.6132A>G on transcript NM_001042492.3 (MANE Select); coding-DNA position 6132, A replaced by G.
Protein change: p.Lys2044=; no amino-acid change (lysine 2044 retained).
Molecular consequence: synonymous variant.
Genome position (GRCh38, 1-based): chr17:31,336,458, A>G. VCF-style: chr17-31336458-A-G. GRCh37 (hg19) VCF-style: chr17-29663476-A-G.
Other names: c.6069A>G, p.Lys2023= (NM_000267.4).
Identifiers: ClinVar variation 1751357 (VCV001751357.8), dbSNP rs2151553571, ClinGen allele CA499446504.